The following is an entry in ClinVar:

NM_014425.5(INVS):c.2012del (p.Gln671fs)

Gene: INVS (inversin; plus strand). Cytogenetic location: 9q31.1.
Variant type: Deletion.
Coding change: c.2012del on transcript NM_014425.5 (MANE Select); coding-DNA position 2012, one base deleted (A; older notation c.2012delA).
Protein change: p.Gln671fs; shifts the reading frame from glutamine 671.
Molecular consequence: frameshift variant. On other transcripts: non-coding transcript variant (1).
Genome position (GRCh38, 1-based): chr9:100,284,547, A deleted. VCF-style (leftmost placement, unchanged base first): chr9-100284546-CA-C. GRCh37 (hg19) VCF-style: chr9-103046828-CA-C.
Other names: c.1724del, p.Gln575fs (NM_001318381.2); c.1034del, p.Gln345fs (NM_001318382.2); short protein forms Q575fs, Q671fs, Q345fs.
Identifiers: ClinVar variation 2743560 (VCV002743560.3), dbSNP rs2490088747, ClinGen allele CA2690992321.
Genomic context (GRCh38, chr9:100,284,546, plus strand): 5'-CAAGGCCCTGAGCCAAGAGACAGCAGAGGATCTCCAGGAGGGTCTCTAGGCGGAGCCCTC[CA>C]GAAGGAGCAGCATGTTTCCTCAGATTTGCAGGGAACAAACTCCAGAAGGCCAAATGGTAG-3'

ClinVar aggregate classification (germline): Pathogenic (1 of 4 stars; one submission).

Conditions:
Nephronophthisis. Also called: Juvenile Nephronophthisis. Identifiers: Orphanet 655, MedGen C0687120, MONDO:0019005, HP:0000090.

Allele frequency attached by ClinVar (database versions not stated): gnomAD exomes below 0.00001.

Submission:

Labcorp Genetics (formerly Invitae), Labcorp
Classification: Pathogenic for Nephronophthisis. Last evaluated: 2023-10-08. Review status: criteria provided, single submitter. Criteria: Invitae Variant Classification Sherloc (09022015). Collection method: clinical testing. Allele origin: germline.
Comment: This sequence change creates a premature translational stop signal (p.Gln671Argfs*72) in the INVS gene. It is expected to result in an absent or disrupted protein product. Loss-of-function variants in INVS are known to be pathogenic (PMID: 12872123). This variant is not present in population databases (gnomAD no frequency). This variant has not been reported in the literature in individuals affected with INVS-related conditions. For these reasons, this variant has been classified as Pathogenic.

Literature cited by the submitters: PubMed 12872123.